The following is an entry in ClinVar:

NM_006031.6(PCNT):c.1032+1G>A

Gene: PCNT (pericentrin; plus strand). Cytogenetic location: 21q22.3.
Variant type: single nucleotide variant.
Coding change: c.1032+1G>A on transcript NM_006031.6 (MANE Select); the canonical splice donor site of the intron after coding-DNA position 1032, G replaced by A.
Molecular consequence: splice donor variant.
Genome position (GRCh38, 1-based): chr21:46,347,513, G>A. VCF-style: chr21-46347513-G-A. GRCh37 (hg19) VCF-style: chr21-47767427-G-A.
Other names: c.678+1G>A (NM_001315529.2).
Identifiers: ClinVar variation 561076 (VCV000561076.5), dbSNP rs1569178877, ClinGen allele CA410553997.

ClinVar aggregate classification (germline): Pathogenic/Likely pathogenic. Review status: criteria provided, multiple submitters, no conflicts (2 of 4 stars). 2 submissions from 2 submitters: Pathogenic (1); Likely pathogenic (1). Last evaluated 2023-05-13.

Conditions:
Microcephalic osteodysplastic primordial dwarfism type II (MOPD2). Also called: Microcephalic osteodysplastic primordial dwarfism with tooth abnormalities; MOPD II; OSTEODYSPLASTIC PRIMORDIAL DWARFISM, TYPE II. Identifiers: Orphanet 2637, MedGen C0432246, MONDO:0008872, OMIM 210720.

Allele frequency attached by ClinVar (database versions not stated): gnomAD exomes below 0.00001.
gnomAD v4.1: 1 of 1,613,952 alleles (0.000062%); highest among the groups gnomAD compares: Non-Finnish European, 0.000085%; no homozygotes.

Submissions (2):

Labcorp Genetics (formerly Invitae), Labcorp
Classification: Likely pathogenic. Last evaluated: 2023-05-13. Review status: criteria provided, single submitter. Criteria: Invitae Variant Classification Sherloc (09022015). Collection method: clinical testing. Allele origin: germline.
Comment: In summary, the currently available evidence indicates that the variant is pathogenic, but additional data are needed to prove that conclusively. Therefore, this variant has been classified as Likely Pathogenic. Algorithms developed to predict the effect of sequence changes on RNA splicing suggest that this variant may disrupt the consensus splice site. This sequence change affects a donor splice site in intron 6 of the PCNT gene. It is expected to disrupt RNA splicing. Variants that disrupt the donor or acceptor splice site typically lead to a loss of protein function (PMID: 16199547), and loss-of-function variants in PCNT are known to be pathogenic (PMID: 18174396, 22821869). This variant is not present in population databases (gnomAD no frequency). Disruption of this splice site has been observed in individual(s) with clinical features of microcephalic primordial osteodysplastic syndrome (PMID: 25326635). ClinVar contains an entry for this variant (Variation ID: 561076).

Baylor Genetics
Classification: Pathogenic for Microcephalic osteodysplastic primordial dwarfism type II. Last evaluated: 2017-09-01. Review status: criteria provided, single submitter. Criteria: ACMG Guidelines, 2015. Collection method: clinical testing. Allele origin: germline. Inheritance: Autosomal recessive inheritance. Affected: yes.

Literature cited by the submitters: PubMed 16199547 (cited by Labcorp Genetics (formerly Invitae), Labcorp); PubMed 18174396 (cited by Labcorp Genetics (formerly Invitae), Labcorp); PubMed 22821869 (cited by Labcorp Genetics (formerly Invitae), Labcorp); PubMed 25326635 (cited by Labcorp Genetics (formerly Invitae), Labcorp and Baylor Genetics).